The following is an entry in ClinVar:

NC_000014.8:g.(?_67346637)_(67391029_?)dup

Gene: GPHN (gephyrin; plus strand). Cytogenetic location: 14q23.3.
Variant type: Duplication.
Identifiers: ClinVar variation 534559 (VCV000534559.7).

ClinVar aggregate classification (germline): Uncertain significance (1 of 4 stars; one submission).

Conditions:
Sulfite oxidase deficiency due to molybdenum cofactor deficiency type C. Also called: Molybdenum cofactor deficiency, complementation group C; Molybdenum cofactor deficiency C. Identifiers: Orphanet 308400, Orphanet 833, MedGen C1854990, MONDO:0014212, OMIM 615501.

Submission:

Labcorp Genetics (formerly Invitae), Labcorp
Classification: Uncertain significance for Sulfite oxidase deficiency due to molybdenum cofactor deficiency type C. Last evaluated: 2017-08-06. Review status: criteria provided, single submitter. Criteria: Invitae Variant Classification Sherloc (09022015). Collection method: clinical testing. Allele origin: germline.
Comment: Experimental studies and prediction algorithms are not available for this variant, and the functional significance of the duplicated residues is currently unknown. In summary, the available evidence is currently insufficient to determine the role of this variant in disease. Therefore, it has been classified as a Variant of Uncertain Significance. This variant has not been reported in the literature in individuals with GPHN-related disease. This variant is a gross duplication of the genomic region encompassing exons 5-8 of the GPHN gene. While the exact position of the duplicated exons cannot be determined from this data, the duplicated copy of this region is likely in tandem and in-frame, therefore preserving the integrity of the reading frame.